The following is an entry in ClinVar:

NM_001114753.3(ENG):c.909C>T (p.Ala303=)

Gene: ENG (endoglin; minus strand). Cytogenetic location: 9q34.11.
Variant type: single nucleotide variant.
Coding change: c.909C>T on transcript NM_001114753.3 (MANE Select); coding-DNA position 909, C replaced by T.
Protein change: p.Ala303=; no amino-acid change (alanine 303 retained).
Molecular consequence: synonymous variant.
Genome position (GRCh38, 1-based): chr9:127,824,882, G>A on the plus strand (C>T on the coding strand, the complement: ENG is on the minus strand). VCF-style: chr9-127824882-G-A. GRCh37 (hg19) VCF-style: chr9-130587161-G-A.
Other names: c.909C>T (NM_000118.2); c.909C>T, p.Ala303= (NM_000118.4, NM_001406715.1); c.363C>T, p.Ala121= (NM_001278138.2).
Identifiers: ClinVar variation 365090 (VCV000365090.50), dbSNP rs200306464, ClinGen allele CA5252941.
Genomic context (GRCh38, chr9:127,824,882, plus strand): 5'-GACAATGCTGGCCAGCGGTAGCTCCACGAAGGATGCCACAATGCTGGCATTGAGCATCCG[G>A]GCCTCCCCCAGGAGGCCTTGAGGTGTGTCTGGGAGCTTGAAGCCACGAATGTTTTTCTCT-3'
Protein context (NP_001108225.1, residues 293-313): PDTPQGLLGE[Ala303=]RMLNASIVAS

ClinVar aggregate classification (germline): Benign/Likely benign. Review status: criteria provided, multiple submitters, no conflicts (2 of 4 stars). 7 submissions from 7 submitters: Benign (3); Likely benign (4). Last evaluated 2026-01-05.

Conditions:
Cardiovascular phenotype. Identifiers: MedGen CN230736.
Telangiectasia, hereditary hemorrhagic, type 1 (HHT1). Also called: Osler Weber Rendu syndrome type 1; ENG-Related Hereditary Hemorrhagic Telangiectasia. Identifiers: Orphanet 774, MedGen C4551861, MONDO:0008535, OMIM 187300. Disease mechanism: loss of function.
Hereditary hemorrhagic telangiectasia (HHT). Also called: Osler hemorrhagic telangiectasia syndrome; ORW DISEASE; Osler Weber Rendu syndrome; OSLER-RENDU-WEBER DISEASE. Identifiers: Orphanet 774, MedGen C0039445, MONDO:0019180. Disease mechanism: loss of function.

Allele frequency attached by ClinVar (database versions not stated): gnomAD below 0.00001 and 0.00034; TOPMed 0.00006; gnomAD exomes 0.00053 and 0.00119; ExAC 0.00146; 1000 Genomes Project 30x 0.00203; 1000 Genomes Project 0.00240.
gnomAD v4.1: 821 of 1,613,010 alleles (0.051%); highest among the groups gnomAD compares: South Asian, 0.86%; 8 homozygotes.

Submissions (7):

Labcorp Genetics (formerly Invitae), Labcorp
Classification: Benign for Hereditary hemorrhagic telangiectasia. Last evaluated: 2026-01-05. Review status: criteria provided, single submitter. Criteria: Invitae Variant Classification Sherloc (09022015). Collection method: clinical testing. Allele origin: germline.

Blueprint Genetics
Classification: Likely benign. Last evaluated: 2024-11-11. Review status: criteria provided, single submitter. Criteria: ACMG Guidelines, 2015. Collection method: clinical testing. Allele origin: germline.

CeGaT Center for Human Genetics Tuebingen
Classification: Benign. Last evaluated: 2023-05-01. Review status: criteria provided, single submitter. Criteria: CeGaT Center For Human Genetics Tuebingen Variant Classification Criteria Version 2. Collection method: clinical testing. Allele origin: germline. Affected: yes. Observed: 1 variant allele.
Comment: ENG: BP4, BS1, BS2

Ambry Genetics
Classification: Likely benign for Cardiovascular phenotype. Last evaluated: 2022-05-24. Review status: criteria provided, single submitter. Criteria: Ambry Variant Classification Scheme 2023. Collection method: clinical testing. Allele origin: germline.

GeneDx
Classification: Likely benign. Last evaluated: 2021-05-06. Review status: criteria provided, single submitter. Criteria: GeneDx Variant Classification Process June 2021. Collection method: clinical testing. Allele origin: germline. Affected: yes.
Comment: See Variant Classification Assertion Criteria.

Illumina Laboratory Services, Illumina
Classification: Benign for Telangiectasia, hereditary hemorrhagic, type 1. Last evaluated: 2018-01-12. Review status: criteria provided, single submitter. Criteria: ICSL Variant Classification Criteria 13 December 2019. Collection method: clinical testing. Allele origin: germline.
Comment: This variant was observed in the ICSL laboratory as part of a predisposition screen in an ostensibly healthy population. It had not been previously curated by ICSL or reported in the Human Gene Mutation Database (HGMD: prior to June 1st, 2018), and was therefore a candidate for classification through an automated scoring system. Utilizing variant allele frequency, disease prevalence and penetrance estimates, and inheritance mode, an automated score was calculated to assess if this variant is too frequent to cause the disease. Based on the score and internal cut-off values, a variant classified as benign is not then subjected to further curation. The score for this variant resulted in a classification of benign for this disease.

Laboratory for Molecular Medicine, Mass General Brigham Personalized Medicine
Classification: Likely benign. Last evaluated: 2017-09-29. Review status: criteria provided, single submitter. Criteria: LMM Criteria. Collection method: clinical testing. Allele origin: germline. Observed: 1 variant allele.
Comment: p.Ala303Ala in exon 7 of ENG: This variant is not expected to have clinical sign ificance because it does not alter an amino acid residue and is not located with in the splice consensus sequence. This variant has been identified in 0.9% (290/ 30656) of South Asian chromosomes, including 2 homozygotes, by the Genome Aggreg ation Database (gnomAD; dbSNP rs200306464). AC MG/AMP Criteria applied: BS1, BP7 (Richards 2015).